The following is an entry in ClinVar:

ClinVar aggregate classification (germline): Pathogenic (1 of 4 stars; one submission).

Conditions:
Hereditary breast ovarian cancer syndrome. Also called: Hereditary breast and ovarian cancer syndrome (HBOC); Hereditary breast and/or ovarian cancer syndrome; Hereditary breast and ovarian cancer; BRCA1- and BRCA2-Associated Hereditary Breast and Ovarian Cancer; Hereditary breast and ovarian cancer syndrome; Breast and ovarian cancer. Identifiers: Orphanet 145, MedGen C0677776, MeSH D061325, MONDO:0003582. Disease mechanism: loss of function.

Submission:

Labcorp Genetics (formerly Invitae), Labcorp
Classification: Pathogenic for Hereditary breast ovarian cancer syndrome. Last evaluated: 2020-06-28. Review status: criteria provided, single submitter. Criteria: Invitae Variant Classification Sherloc (09022015). Collection method: clinical testing. Allele origin: germline.
Comment: For these reasons, this variant has been classified as Pathogenic. Loss-of-function variants in BRCA1 are known to be pathogenic (PMID: 20104584). This variant has not been reported in the literature in individuals with BRCA1-related conditions. This variant is not present in population databases (ExAC no frequency). This sequence change creates a premature translational stop signal (p.Thr967Asnfs*4) in the BRCA1 gene. It is expected to result in an absent or disrupted protein product.

Literature cited by the submitters: PubMed 20104584.

NM_007294.4(BRCA1):c.2899dup (p.Thr967fs)

Gene: BRCA1 (BRCA1 DNA repair associated; minus strand). Cytogenetic location: 17q21.31.
Variant type: Duplication.
Coding change: c.2899dup on transcript NM_007294.4 (MANE Select); coding-DNA position 2899, one base duplicated (A; older notation c.2899dupA).
Protein change: p.Thr967fs; shifts the reading frame from threonine 967.
Molecular consequence: frameshift variant. On other transcripts: intron variant (137).
Genome position (GRCh38, 1-based): chr17:43,092,632, T duplicated on the plus strand (A on the coding strand, the reverse complement: BRCA1 is on the minus strand). VCF-style (leftmost placement, unchanged base first): chr17-43092631-G-GT. GRCh37 (hg19) VCF-style: chr17-41244648-G-GT.
Other names: c.2773dup, p.Thr925fs (NM_001407670.1, NM_001407671.1, NM_001407672.1 and 11 more transcripts); c.2776dup, p.Thr926fs (NM_001407674.1, NM_001407675.1, NM_001407676.1 and 19 more transcripts); c.2758dup, p.Thr920fs (NM_001407692.1, NM_001407694.1, NM_001407695.1 and 29 more transcripts); c.2899dup, p.Thr967fs (NM_001407684.1, NM_001407581.1, NM_001407582.1 and 30 more transcripts); c.2686dup, p.Thr896fs (NM_001407571.1, NM_001407853.1, NM_001407894.1 and 9 more transcripts); c.2896dup, p.Thr966fs (NM_001407587.1, NM_001407590.1, NM_001407591.1 and 22 more transcripts); c.2890dup, p.Thr964fs (NM_001407646.1, NM_001407647.1); c.2821dup, p.Thr941fs (NM_001407653.1, NM_001407654.1, NM_001407655.1 and 4 more transcripts); and 41 more; short protein forms T920fs, T967fs, T799fs, T839fs, T840fs, T879fs, T899fs, T940fs.
Identifiers: ClinVar variation 1072656 (VCV001072656.8), dbSNP rs2154353615, ClinGen allele CA2499224491.
Genomic context (GRCh38, chr17:43,092,631, plus strand): 5'-TTGATGGGAAAAAGTGGTGGTATACGATATGGGTTTTGTAAAAGTCCATGTTTATTTGGA[G>GT]TAATGAGTCCAGTTTCGTTGCCTCTGAACTGAGATGATAGACAAAACCTAGAGCCTCCTT-3'